The following is an entry in ClinVar:

ClinVar aggregate classification (germline): Likely benign. Review status: criteria provided, multiple submitters, no conflicts (2 of 4 stars). 2 submissions from 2 submitters: Likely benign (2). Last evaluated 2025-03-31.

Conditions:
Leigh syndrome (NULS). Also called: LEIGH SYNDROME, NUCLEAR; Leigh's necrotizing encephalopathy; Leigh's disease; Leigh Disease; Leigh Syndrome (mtDNA deletion); Leigh's syndrome. Identifiers: Orphanet 506, MedGen C2931891, MONDO:0009723, OMIM 256000.

Allele frequency attached by ClinVar (database versions not stated): gnomAD 0.00001; TOPMed 0.00001.
gnomAD v4.1: 45 of 1,613,470 alleles (0.0028%); highest among the groups gnomAD compares: Non-Finnish European, 0.0036%; no homozygotes.

Submissions (2):

Labcorp Genetics (formerly Invitae), Labcorp
Classification: Likely benign for Leigh syndrome. Last evaluated: 2025-03-31. Review status: criteria provided, single submitter. Criteria: Invitae Variant Classification Sherloc (09022015). Collection method: clinical testing. Allele origin: germline.

GeneDx
Classification: Likely benign. Last evaluated: 2016-09-02. Review status: criteria provided, single submitter. Criteria: GeneDx Variant Classification (06012015). Collection method: clinical testing. Allele origin: germline. Affected: yes.
Comment: This variant is considered likely benign or benign based on one or more of the following criteria: it is a conservative change, it occurs at a poorly conserved position in the protein, it is predicted to be benign by multiple in silico algorithms, and/or has population frequency not consistent with disease.

NM_003172.4(SURF1):c.241-7A>C

Gene: SURF1 (SURF1 cytochrome c oxidase assembly factor; minus strand). Cytogenetic location: 9q34.2.
Variant type: single nucleotide variant.
Coding change: c.241-7A>C on transcript NM_003172.4 (MANE Select); 7 bases into the intron before coding-DNA position 241, A replaced by C.
Molecular consequence: intron variant.
Genome position (GRCh38, 1-based): chr9:133,354,748, T>G on the plus strand (A>C on the coding strand, the complement: SURF1 is on the minus strand). VCF-style: chr9-133354748-T-G. GRCh37 (hg19) VCF-style: chr9-136221603-T-G.
Other names: c.-87-7A>C (NM_001280787.1).
Identifiers: ClinVar variation 388762 (VCV000388762.10), dbSNP rs997493975, ClinGen allele CA16606322.